The following is an entry in ClinVar:

NM_001145809.2(MYH14):c.5887C>T (p.Arg1963Cys)

Gene: MYH14 (myosin heavy chain 14; plus strand). Cytogenetic location: 19q13.33.
Variant type: single nucleotide variant.
Coding change: c.5887C>T on transcript NM_001145809.2 (MANE Select); coding-DNA position 5887, C replaced by T.
Protein change: p.Arg1963Cys; replaces arginine 1963 with cysteine.
Molecular consequence: missense variant.
Genome position (GRCh38, 1-based): chr19:50,309,104, C>T. VCF-style: chr19-50309104-C-T. GRCh37 (hg19) VCF-style: chr19-50812361-C-T.
Other names: c.5788C>T, p.Arg1930Cys (NM_001077186.2); c.5764C>T, p.Arg1922Cys (NM_024729.4); short protein forms R1922C, R1963C, R1930C.
Identifiers: ClinVar variation 1976912 (VCV001976912.5), dbSNP rs1234756737, ClinGen allele CA406965706.

ClinVar aggregate classification (germline): Uncertain significance (1 of 4 stars; one submission).

Allele frequency attached by ClinVar (database versions not stated): gnomAD exomes below 0.00001; TOPMed below 0.00001; gnomAD 0.00001.
gnomAD v4.1: 5 of 1,613,768 alleles (0.00031%); highest among the groups gnomAD compares: Non-Finnish European, 0.00042%; no homozygotes.

Submission:

Labcorp Genetics (formerly Invitae), Labcorp
Classification: Uncertain significance. Last evaluated: 2022-06-27. Review status: criteria provided, single submitter. Criteria: Invitae Variant Classification Sherloc (09022015). Collection method: clinical testing. Allele origin: germline.
Comment: In summary, the available evidence is currently insufficient to determine the role of this variant in disease. Therefore, it has been classified as a Variant of Uncertain Significance. Algorithms developed to predict the effect of missense changes on protein structure and function (SIFT, PolyPhen-2, Align-GVGD) all suggest that this variant is likely to be disruptive. This variant has not been reported in the literature in individuals affected with MYH14-related conditions. This variant is not present in population databases (gnomAD no frequency). This sequence change replaces arginine, which is basic and polar, with cysteine, which is neutral and slightly polar, at codon 1922 of the MYH14 protein (p.Arg1922Cys).